The following is an entry in ClinVar:

NM_007294.4(BRCA1):c.4358-1597C>T

Gene: BRCA1 (BRCA1 DNA repair associated; minus strand). Cytogenetic location: 17q21.31.
Variant type: single nucleotide variant.
Coding change: c.4358-1597C>T on transcript NM_007294.4 (MANE Select); 1597 bases into the intron before coding-DNA position 4358, C replaced by T.
Molecular consequence: intron variant.
Genome position (GRCh38, 1-based): chr17:43,078,211, G>A on the plus strand (C>T on the coding strand, the complement: BRCA1 is on the minus strand). VCF-style: chr17-43078211-G-A. GRCh37 (hg19) VCF-style: chr17-41230228-G-A.
Other names: IVS 13-1597C>T; c.908-1600C>T (NM_001408458.1, NM_001408461.1, NM_001408459.1 and 1 more transcripts); c.3470-1600C>T (NM_001407967.1); c.3977-1597C>T (NM_001407959.1); c.4091-1597C>T (NM_001407931.1, NM_001407932.1, NM_001407930.1 and 1 more transcripts); c.4214-1597C>T (NM_001407747.1, NM_001407745.1, NM_001407746.1 and 11 more transcripts); c.3974-1597C>T (NM_001407962.1); c.545-1597C>T (NM_001408512.1); and 99 more.
Identifiers: ClinVar variation 209389 (VCV000209389.2), dbSNP rs8176202, ClinGen allele CA276361.
Genomic context (GRCh38, chr17:43,078,211, plus strand): 5'-CTCGGCTCACTGCAACCTCTGCCTCCAGGTTCAAGCGATTCTCCTGCCTTAGCCTCCCAA[G>A]AAGATGGGATTATAGGTGCCCACCACCACCCCTTGGCTAATTTTTGTATTTTTTGTAGAG-3'

ClinVar aggregate classification (germline): Benign (3 of 4 stars; one submission).

Conditions:
Breast-ovarian cancer, familial, susceptibility to, 1 (BROVCA1). Also called: BRCA1 Hereditary Breast and Ovarian Cancer; OVARIAN CANCER, SUSCEPTIBILITY TO. Identifiers: Orphanet 145, MedGen C2676676, MONDO:0011450, OMIM 604370. Disease mechanism: loss of function.

Allele frequency attached by ClinVar (database versions not stated): TOPMed 0.28269; gnomAD 0.29104 and 0.29968; 1000 Genomes Project 30x 0.32901; 1000 Genomes Project 0.33486.
gnomAD v4.1: 45,544 of 151,836 alleles (30%); highest among the groups gnomAD compares: South Asian, 49%; 7,384 homozygotes.

Submission:

Evidence-based Network for the Interpretation of Germline Mutant Alleles (ENIGMA)
Classification: Benign for Breast-ovarian cancer, familial 1. Last evaluated: 2015-01-12. Review status: reviewed by expert panel. Criteria: ENIGMA BRCA1/2 Classification Criteria (2015). Collection method: curation. Allele origin: germline.
Comment: Class 1 not pathogenic based on frequency >1% in an outbred sampleset. Frequency 0.3304 (Asian), 0.126 (African), 0.3549 (European), derived from 1000 genomes (2012-04-30).